The following is an entry in ClinVar:

NM_018124.4(RFWD3):c.1426+6G>A

Gene: RFWD3 (ring finger and WD repeat domain 3; minus strand). Cytogenetic location: 16q23.1.
Variant type: single nucleotide variant.
Coding change: c.1426+6G>A on transcript NM_018124.4 (MANE Select); 6 bases into the intron after coding-DNA position 1426, G replaced by A.
Molecular consequence: intron variant.
Genome position (GRCh38, 1-based): chr16:74,636,340, C>T on the plus strand (G>A on the coding strand, the complement: RFWD3 is on the minus strand). VCF-style: chr16-74636340-C-T. GRCh37 (hg19) VCF-style: chr16-74670238-C-T.
Other names: c.1426+6G>A (NM_001370534.1, NM_001370536.1, NM_001370535.1); c.592+6G>A (NM_001370539.1, NM_001370537.1, NM_001370543.1 and 2 more transcripts).
Identifiers: ClinVar variation 1974042 (VCV001974042.6), dbSNP rs751460444, ClinGen allele CA8169228.
Genomic context (GRCh38, chr16:74,636,340, plus strand): 5'-AAGGCAAGGAAATAAATATATGGAGTCTAATAAAGAACATGAAAGCTGAGGTTCTAGACT[C>T]TTTACCTGGAAGAAAAGAGGCCTGAGGAGAAGGCTGTGATATCACCAGGCAGCTCAGAGC-3'

ClinVar aggregate classification (germline): Conflicting classifications of pathogenicity. Review status: criteria provided, conflicting classifications (1 of 4 stars). 2 submissions from 2 submitters: Uncertain significance (1); Likely benign (1). Last evaluated 2023-09-06.

Allele frequency attached by ClinVar (database versions not stated): gnomAD 0.00001; gnomAD exomes 0.00003; ExAC 0.00009.
gnomAD v4.1: 48 of 1,612,636 alleles (0.003%); highest among the groups gnomAD compares: South Asian, 0.052%; 2 homozygotes.

Submissions (2):

Blueprint Genetics
Classification: Likely benign. Last evaluated: 2023-09-06. Review status: criteria provided, single submitter. Criteria: ACMG Guidelines, 2015. Collection method: clinical testing. Allele origin: germline.

Labcorp Genetics (formerly Invitae), Labcorp
Classification: Uncertain significance. Last evaluated: 2022-05-20. Review status: criteria provided, single submitter. Criteria: Invitae Variant Classification Sherloc (09022015). Collection method: clinical testing. Allele origin: germline.
Comment: In summary, the available evidence is currently insufficient to determine the role of this variant in disease. Therefore, it has been classified as a Variant of Uncertain Significance. Variants that disrupt the consensus splice site are a relatively common cause of aberrant splicing (PMID: 17576681, 9536098). Algorithms developed to predict the effect of sequence changes on RNA splicing suggest that this variant is not likely to affect RNA splicing. This variant has not been reported in the literature in individuals affected with RFWD3-related conditions. This variant is present in population databases (rs751460444, gnomAD 0.05%). This sequence change falls in intron 8 of the RFWD3 gene. It does not directly change the encoded amino acid sequence of the RFWD3 protein. It affects a nucleotide within the consensus splice site.

Literature cited by the submitters: PubMed 17576681 (cited by Labcorp Genetics (formerly Invitae), Labcorp); PubMed 9536098 (cited by Labcorp Genetics (formerly Invitae), Labcorp).